The following is an entry in ClinVar:

NC_000023.10:g.(?_63004976)_(63413166_?)dup

Genes: AMER1 (APC membrane recruitment protein 1; minus strand), ARHGEF9 (Cdc42 guanine nucleotide exchange factor 9; minus strand). Cytogenetic location: Xq11.2.
Variant type: Duplication.
Identifiers: ClinVar variation 3244640 (VCV003244640.1).

ClinVar aggregate classification (germline): Uncertain significance (1 of 4 stars; one submission).

Conditions:
Developmental and epileptic encephalopathy, 8 (DEE8). Also called: HYPEREKPLEXIA AND EPILEPSY. Identifiers: Orphanet 163985, Orphanet 2076, MedGen C1845102, MONDO:0010375, OMIM 300607.

Submission:

Labcorp Genetics (formerly Invitae), Labcorp
Classification: Uncertain significance for Developmental and epileptic encephalopathy, 8. Last evaluated: 2023-11-27. Review status: criteria provided, single submitter. Criteria: Invitae Variant Classification Sherloc (09022015). Collection method: clinical testing. Allele origin: unknown.
Comment: A copy number gain of the genomic region encompassing the full coding sequence of the ARHGEF9 gene has been identified. The boundaries of this event are unknown as they extend beyond the assayed region for this gene and therefore may encompass additional genes. As the precise location of this event is unknown, it may be in tandem or it may be located elsewhere in the genome. This variant has not been reported in the literature in individuals affected with ARHGEF9-related conditions. In summary, the available evidence is currently insufficient to determine the role of this variant in disease. Therefore, it has been classified as a Variant of Uncertain Significance.